The following is an entry in ClinVar:

NM_014739.3(BCLAF1):c.628G>A (p.Gly210Ser)

Gene: BCLAF1 (BCL2 associated transcription factor 1; minus strand). Cytogenetic location: 6q23.3.
Variant type: single nucleotide variant.
Coding change: c.628G>A on transcript NM_014739.3 (MANE Select); coding-DNA position 628, G replaced by A.
Protein change: p.Gly210Ser; replaces glycine 210 with serine.
Molecular consequence: missense variant. On other transcripts: non-coding transcript variant (7).
Genome position (GRCh38, 1-based): chr6:136,278,253, C>T on the plus strand (G>A on the coding strand, the complement: BCLAF1 is on the minus strand). VCF-style: chr6-136278253-C-T. GRCh37 (hg19) VCF-style: chr6-136599391-C-T.
Other names: c.622G>A, p.Gly208Ser (NM_001077440.3, NM_001301038.3, NM_001386696.1 and 2 more transcripts); c.628G>A, p.Gly210Ser (NM_001077441.3, NM_001363659.3, NM_001386693.1 and 8 more transcripts); short protein forms G210S, G208S.
Identifiers: ClinVar variation 402423 (VCV000402423.6), dbSNP rs141173428, ClinGen allele CA4015155.

ClinVar aggregate classification (germline): Benign/Likely benign. Review status: criteria provided, multiple submitters, no conflicts (2 of 4 stars). 2 submissions from 2 submitters: Benign (1); Likely benign (1). Last evaluated 2021-12-10.

Allele frequency attached by ClinVar (database versions not stated): gnomAD exomes 0.00008 and 0.01036; ESP Exome Variant Server 0.00038; 1000 Genomes Project 0.00080; 1000 Genomes Project 30x 0.00094; gnomAD 0.00098; ExAC 0.02010.
gnomAD v4.1: 262 of 1,603,494 alleles (0.016%); highest among the groups gnomAD compares: Admixed American, 0.034%; no homozygotes.

Submissions (2):

Ambry Genetics
Classification: Likely benign. Last evaluated: 2021-12-10. Review status: criteria provided, single submitter. Criteria: Ambry Variant Classification Scheme 2023. Collection method: clinical testing. Allele origin: germline.

Laboratory for Molecular Medicine, Mass General Brigham Personalized Medicine
Classification: Benign. Last evaluated: 2016-03-29. Review status: criteria provided, single submitter. Criteria: LMM Criteria. Collection method: clinical testing. Allele origin: germline.
Comment: Variant identified in a genome or exome case(s) and assessed due to predicted null impact of the variant or pathogenic assertions in the literature or databases. Disclaimer: This variant has not undergone full assessment. The following are preliminary notes: Frequency - 5% MAF in Finnish population.